The following is an entry in ClinVar:

ClinVar aggregate classification (germline): Likely pathogenic. Review status: criteria provided, multiple submitters, no conflicts (2 of 4 stars). 5 submissions from 5 submitters: Likely pathogenic (5). Last evaluated 2025-09-02.

Conditions:
SLC34A1-related disorder. Also called: SLC34A1-related condition; SLC34A1-related disorders.
Fanconi renotubular syndrome 2 (FRTS2). Identifiers: MedGen C3150652, MONDO:0013247, OMIM 613388.
Hypercalcemia, infantile, 2 (HCINF2). Identifiers: Orphanet 300547, MedGen C4310473, MONDO:0014851, OMIM 616963.
Hypophosphatemic nephrolithiasis/osteoporosis 1. Identifiers: Orphanet 244305, MedGen C2676786, MONDO:0012850, OMIM 612286.

Allele frequency attached by ClinVar (database versions not stated): gnomAD exomes 0.00001; ExAC 0.00002; gnomAD 0.00003; TOPMed 0.00005; 1000 Genomes Project 30x 0.00031; 1000 Genomes Project 0.00040.

Submissions (5):

Labcorp Genetics (formerly Invitae), Labcorp
Classification: Likely pathogenic. Last evaluated: 2025-09-02. Review status: criteria provided, single submitter. Criteria: Invitae Variant Classification Sherloc (09022015). Collection method: clinical testing. Allele origin: germline.
Comment: This sequence change replaces arginine, which is basic and polar, with histidine, which is basic and polar, at codon 495 of the SLC34A1 protein (p.Arg495His). This variant is present in population databases (rs188409125, gnomAD 0.01%). This missense change has been observed in individual(s) with SLC34A1-related conditions (PMID: 25050900). It has also been observed to segregate with disease in related individuals. ClinVar contains an entry for this variant (Variation ID: 2690703). Invitae Evidence Modeling of protein sequence and biophysical properties (such as structural, functional, and spatial information, amino acid conservation, physicochemical variation, residue mobility, and thermodynamic stability) indicates that this missense variant is expected to disrupt SLC34A1 protein function with a positive predictive value of 80%. Experimental studies have shown that this missense change affects SLC34A1 function (PMID: 25050900, 37132631). This variant disrupts the Arg495 amino acid residue in SLC34A1. Other variant(s) that disrupt this residue have been determined to be pathogenic (PMID: 30943683, 37132631; internal data). This suggests that this residue is clinically significant, and that variants that disrupt this residue are likely to be disease-causing. In summary, the currently available evidence indicates that the variant is pathogenic, but additional data are needed to prove that conclusively. Therefore, this variant has been classified as Likely Pathogenic.

First Genomix Gene Laboratory, Genetic Diagnostics Department
Classification: Likely pathogenic for Fanconi renotubular syndrome 2; Hypercalcemia, infantile, 2. Last evaluated: 2025-08-07. Review status: criteria provided, single submitter. Criteria: ACMG Guidelines, 2015. Collection method: clinical testing. Allele origin: germline. Inheritance: Autosomal recessive inheritance. Affected: no. Observed: 1 variant allele.

Blueprint Genetics
Classification: Likely pathogenic for SLC34A1-related disorders. Last evaluated: 2024-10-23. Review status: criteria provided, single submitter. Criteria: ACMG Guidelines, 2015. Collection method: clinical testing. Allele origin: germline. Affected: yes. Observed: 4 variant alleles.

Fulgent Genetics
Classification: Likely pathogenic for Hypophosphatemic nephrolithiasis/osteoporosis 1; Fanconi renotubular syndrome 2; Hypercalcemia, infantile, 2. Last evaluated: 2024-06-21. Review status: criteria provided, single submitter. Criteria: ACMG Guidelines, 2015. Collection method: clinical testing. Allele origin: germline.

Revvity Omics, Revvity
Classification: Likely pathogenic. Last evaluated: 2023-05-03. Review status: criteria provided, single submitter. Criteria: ACMG Guidelines, 2015. Collection method: clinical testing. Allele origin: germline.

Literature cited by the submitters: PubMed 25050900 (cited by Labcorp Genetics (formerly Invitae), Labcorp); PubMed 37132631 (cited by Labcorp Genetics (formerly Invitae), Labcorp); PubMed 30943683 (cited by Labcorp Genetics (formerly Invitae), Labcorp).

NM_003052.5(SLC34A1):c.1484G>A (p.Arg495His)

Gene: SLC34A1 (solute carrier family 34 member 1; plus strand). Cytogenetic location: 5q35.3.
Variant type: single nucleotide variant.
Coding change: c.1484G>A on transcript NM_003052.5 (MANE Select); coding-DNA position 1484, G replaced by A.
Protein change: p.Arg495His; replaces arginine 495 with histidine.
Molecular consequence: missense variant.
Genome position (GRCh38, 1-based): chr5:177,397,850, G>A. VCF-style: chr5-177397850-G-A. GRCh37 (hg19) VCF-style: chr5-176824851-G-A.
Other names: short protein forms R495H.
Identifiers: ClinVar variation 2690703 (VCV002690703.6), dbSNP rs188409125, ClinGen allele CA3580813.